The following is an entry in ClinVar:

ClinVar aggregate classification (germline): Uncertain significance. Review status: criteria provided, multiple submitters, no conflicts (2 of 4 stars). 5 submissions from 4 submitters: Uncertain significance (5). Last evaluated 2025-12-15.

Conditions:
Arrhythmogenic right ventricular dysplasia 12. Also called: ARRHYTHMOGENIC RIGHT VENTRICULAR DYSPLASIA, FAMILIAL, 12. Identifiers: MedGen C1969081, MONDO:0012684, OMIM 611528.
Naxos disease (NXD). Also called: KERATOSIS PALMOPLANTARIS WITH ARRHYTHMOGENIC CARDIOMYOPATHY; MAL DE NAXOS; PALMOPLANTAR KERATODERMA WITH ARRHYTHMOGENIC RIGHT VENTRICULAR CARDIOMYOPATHY AND WOOLLY HAIR; WOOLLY HAIR, PALMOPLANTAR KERATODERMA, AND CARDIAC ABNORMALITIES; CARDIOMYOPATHY, ARRHYTHMOGENIC RIGHT VENTRICULAR, WITH SKIN, HAIR, AND NAIL ABNORMALITIES. Identifiers: Orphanet 34217, MedGen C1832600, MONDO:0011017, OMIM 601214.
Cardiovascular phenotype. Identifiers: MedGen CN230736.

Allele frequency attached by ClinVar (database versions not stated): ExAC 0.00001; gnomAD 0.00001; gnomAD exomes 0.00001; TOPMed 0.00001.
gnomAD v4.1: 16 of 1,613,368 alleles (0.00099%); highest among the groups gnomAD compares: Non-Finnish European, 0.0013%; no homozygotes.

Submissions (6):

Labcorp Genetics (formerly Invitae), Labcorp
Classification: Uncertain significance for Arrhythmogenic right ventricular dysplasia 12; Naxos disease. Last evaluated: 2025-12-15. Review status: criteria provided, single submitter. Criteria: Invitae Variant Classification Sherloc (09022015). Collection method: clinical testing. Allele origin: germline.
Comment: This sequence change replaces aspartic acid, which is acidic and polar, with glycine, which is neutral and non-polar, at codon 695 of the JUP protein (p.Asp695Gly). This variant is present in population databases (rs781859850, gnomAD 0.003%). This variant has not been reported in the literature in individuals affected with JUP-related conditions. ClinVar contains an entry for this variant (Variation ID: 890757). An algorithm developed to predict the effect of missense changes on protein structure and function (PolyPhen-2) suggests that this variant is likely to be tolerated. In summary, the available evidence is currently insufficient to determine the role of this variant in disease. Therefore, it has been classified as a Variant of Uncertain Significance.

Ambry Genetics
Classification: Uncertain significance for Cardiovascular phenotype. Last evaluated: 2025-05-26. Review status: criteria provided, single submitter. Criteria: Ambry Variant Classification Scheme 2023. Collection method: clinical testing. Allele origin: germline.
Comment: The p.D695G variant (also known as c.2084A>G), located in coding exon 12 of the JUP gene, results from an A to G substitution at nucleotide position 2084. The aspartic acid at codon 695 is replaced by glycine, an amino acid with similar properties. This amino acid position is conserved. In addition, this alteration is predicted to be tolerated by in silico analysis. Since supporting evidence is limited at this time, the clinical significance of this alteration remains unclear.

ARUP Laboratories, Molecular Genetics and Genomics, ARUP Laboratories
Classification: Uncertain significance. Last evaluated: 2024-08-09. Review status: criteria provided, single submitter. Criteria: ARUP Molecular Germline Variant Investigation Process 2024. Collection method: clinical testing. Allele origin: germline.
Comment: The JUP c.2084A>G; p.Asp695Gly variant (rs781859850), to our knowledge, is not reported in the medical literature but is reported in ClinVar (Variation ID: 890757). This variant is found in the general population with an overall allele frequency of 0.001% (3/250876 alleles) in the Genome Aggregation Database (v2.1.1). Computational analyses are uncertain whether this variant is neutral or deleterious (REVEL: 0.256). Due to limited information, the clinical significance of this variant is uncertain at this time.

Illumina Laboratory Services, Illumina
Classification: Uncertain significance for Arrhythmogenic right ventricular dysplasia 12. Last evaluated: 2018-03-16. Review status: criteria provided, single submitter. Criteria: ICSL Variant Classification Criteria 13 December 2019. Collection method: clinical testing. Allele origin: germline.

Illumina Laboratory Services, Illumina
Classification: Uncertain significance for Naxos disease. Last evaluated: 2018-03-16. Review status: criteria provided, single submitter. Criteria: ICSL Variant Classification Criteria 13 December 2019. Collection method: clinical testing. Allele origin: germline.

Dr. Peter K. Rogan Lab, Western University
No classification provided (evidence only). Condition: Thyroid cancer, nonmedullary, 1. Review status: no classification provided. Collection method: in vitro. Allele origin: not applicable. Functional consequence: retained intron. Not counted in ClinVar's aggregate classification.

NM_002230.4(JUP):c.2084A>G (p.Asp695Gly)

Gene: JUP (junction plakoglobin; minus strand). Cytogenetic location: 17q21.2.
Variant type: single nucleotide variant.
Coding change: c.2084A>G on transcript NM_002230.4 (MANE Select); coding-DNA position 2084, A replaced by G.
Protein change: p.Asp695Gly; replaces aspartic acid 695 with glycine.
Molecular consequence: missense variant.
Genome position (GRCh38, 1-based): chr17:41,756,177, T>C on the plus strand (A>G on the coding strand, the complement: JUP is on the minus strand). VCF-style: chr17-41756177-T-C. GRCh37 (hg19) VCF-style: chr17-39912429-T-C.
Other names: c.2084A>G, p.Asp695Gly (NM_001352773.2, NM_001352774.2, NM_001352775.2 and 3 more transcripts); short protein forms D695G.
Identifiers: ClinVar variation 890757 (VCV000890757.18), dbSNP rs781859850, ClinGen allele CA8565024.
Genomic context (GRCh38, chr17:41,756,177, plus strand): 5'-CACACCCACACAGCCGCCCAGGATCTCCAGGGTCCTGAAGAGCCCGGCACACACTTACCA[T>C]CTCCATAGGGCTCATTGATGGGAATCATGCTCTGGGCCTGAAAAAGGAGAGAGAAACATG-3'
Protein context (NP_002221.1, residues 685-705): SMIPINEPYG[Asp695Gly]DMDATYRPMY